The following is an entry in ClinVar:

ClinVar aggregate classification (germline): Uncertain significance (1 of 4 stars; one submission).

Allele frequency attached by ClinVar (database versions not stated): gnomAD exomes below 0.00001 and 0.00001; TOPMed below 0.00001.
gnomAD v4.1: 5 of 1,614,110 alleles (0.00031%); highest among the groups gnomAD compares: South Asian, 0.0022%; no homozygotes.

Submission:

Labcorp Genetics (formerly Invitae), Labcorp
Classification: Uncertain significance. Last evaluated: 2022-07-13. Review status: criteria provided, single submitter. Criteria: Invitae Variant Classification Sherloc (09022015). Collection method: clinical testing. Allele origin: germline.
Comment: This sequence change replaces threonine, which is neutral and polar, with methionine, which is neutral and non-polar, at codon 478 of the PRPF4 protein (p.Thr478Met). This variant is present in population databases (no rsID available, gnomAD 0.003%). This variant has not been reported in the literature in individuals affected with PRPF4-related conditions. ClinVar contains an entry for this variant (Variation ID: 1516235). Algorithms developed to predict the effect of missense changes on protein structure and function are either unavailable or do not agree on the potential impact of this missense change (SIFT: "Deleterious"; PolyPhen-2: "Probably Damaging"; Align-GVGD: "Class C15"). In summary, the available evidence is currently insufficient to determine the role of this variant in disease. Therefore, it has been classified as a Variant of Uncertain Significance.

NM_001244926.2(PRPF4):c.1430C>T (p.Thr477Met)

Gene: PRPF4 (pre-mRNA splicing tri-snRNP complex factor PRPF4; plus strand). Cytogenetic location: 9q32.
Variant type: single nucleotide variant.
Coding change: c.1430C>T on transcript NM_001244926.2 (MANE Select); coding-DNA position 1430, C replaced by T.
Protein change: p.Thr477Met; replaces threonine 477 with methionine.
Molecular consequence: missense variant. On other transcripts: non-coding transcript variant (2).
Genome position (GRCh38, 1-based): chr9:113,291,524, C>T. VCF-style: chr9-113291524-C-T. GRCh37 (hg19) VCF-style: chr9-116053804-C-T.
Other names: c.704C>T, p.Thr235Met (NM_001322266.2, NM_001322267.2); c.1433C>T, p.Thr478Met (NM_004697.5); short protein forms T235M, T477M, T478M.
Identifiers: ClinVar variation 1516235 (VCV001516235.6), dbSNP rs931601125, ClinGen allele CA198550815.